The following is an entry in ClinVar:

NM_001367624.2(ZNF469):c.1775C>T (p.Pro592Leu)

Gene: ZNF469 (zinc finger protein 469; plus strand). Cytogenetic location: 16q24.2.
Variant type: single nucleotide variant.
Coding change: c.1775C>T on transcript NM_001367624.2 (MANE Select); coding-DNA position 1775, C replaced by T.
Protein change: p.Pro592Leu; replaces proline 592 with leucine.
Molecular consequence: missense variant.
Genome position (GRCh38, 1-based): chr16:88,429,245, C>T. VCF-style: chr16-88429245-C-T. GRCh37 (hg19) VCF-style: chr16-88495653-C-T.
Other names: NM_001127464.1:c.1775C>T; short protein forms P592L.
Identifiers: ClinVar variation 1779862 (VCV001779862.2), dbSNP rs538240075, ClinGen allele CA286373059.

ClinVar aggregate classification (germline): Uncertain significance (1 of 4 stars; one submission).

Conditions:
Cardiovascular phenotype. Identifiers: MedGen CN230736.

Allele frequency attached by ClinVar (database versions not stated): gnomAD 0.00002; 1000 Genomes Project 0.00020; 1000 Genomes Project 30x 0.00031.
gnomAD v4.1: 22 of 1,549,788 alleles (0.0014%); highest among the groups gnomAD compares: Middle Eastern, 0.017%; no homozygotes.

Submission:

Ambry Genetics
Classification: Uncertain significance for Cardiovascular phenotype. Last evaluated: 2021-09-21. Review status: criteria provided, single submitter. Criteria: Ambry Variant Classification Scheme 2023. Collection method: clinical testing. Allele origin: germline.
Comment: The p.P592L variant (also known as c.1775C>T), located in coding exon 1 of the ZNF469 gene, results from a C to T substitution at nucleotide position 1775. The proline at codon 592 is replaced by leucine, an amino acid with similar properties. This amino acid position is conserved. In addition, this alteration is predicted to be tolerated by in silico analysis. Since supporting evidence is limited at this time, the clinical significance of this alteration remains unclear.